The following is an entry in ClinVar:

ClinVar aggregate classification (germline): Likely benign (1 of 4 stars; one submission).

gnomAD v4.1: 14 of 1,607,532 alleles (0.00087%); highest among the groups gnomAD compares: South Asian, 0.016%; no homozygotes.

Submission:

CeGaT Center for Human Genetics Tuebingen
Classification: Likely benign. Last evaluated: 2025-10-01. Review status: criteria provided, single submitter. Criteria: CeGaT Center For Human Genetics Tuebingen Variant Classification Criteria Version 2. Collection method: clinical testing. Allele origin: germline. Affected: yes. Observed: 1 variant allele.
Comment: CEP85L: BP4

NM_001042475.3(CEP85L):c.1978A>G (p.Lys660Glu)

Gene: CEP85L (centrosomal protein 85L; minus strand). Cytogenetic location: 6q22.31.
Variant type: single nucleotide variant.
Coding change: c.1978A>G on transcript NM_001042475.3 (MANE Select); coding-DNA position 1978, A replaced by G.
Protein change: p.Lys660Glu; replaces lysine 660 with glutamic acid.
Molecular consequence: missense variant.
Genome position (GRCh38, 1-based): chr6:118,470,581, T>C on the plus strand (A>G on the coding strand, the complement: CEP85L is on the minus strand). VCF-style: chr6-118470581-T-C. GRCh37 (hg19) VCF-style: chr6-118791744-T-C.
Other names: c.1987A>G, p.Lys663Glu (NM_001178035.2); short protein forms K660E, K663E.
Identifiers: ClinVar variation 4534729 (VCV004534729.6).